The following is an entry in ClinVar:

NM_020232.5(PSMG2):c.95T>C (p.Met32Thr)

Gene: PSMG2 (proteasome assembly chaperone 2; plus strand). Cytogenetic location: 18p11.21.
Variant type: single nucleotide variant.
Coding change: c.95T>C on transcript NM_020232.5 (MANE Select); coding-DNA position 95, T replaced by C.
Protein change: p.Met32Thr; replaces methionine 32 with threonine.
Molecular consequence: missense variant. On other transcripts: initiator codon variant (1).
Genome position (GRCh38, 1-based): chr18:12,706,587, T>C. VCF-style: chr18-12706587-T-C. GRCh37 (hg19) VCF-style: chr18-12706586-T-C.
Other names: c.2T>C, p.Met1Thr (NM_147163.2); short protein forms M1T, M32T.
Identifiers: ClinVar variation 1940235 (VCV001940235.6), dbSNP rs1476790734, ClinGen allele CA401964747.

ClinVar aggregate classification (germline): Uncertain significance (1 of 4 stars; one submission).

Allele frequency attached by ClinVar (database versions not stated): gnomAD exomes below 0.00001; TOPMed below 0.00001.

Submission:

Labcorp Genetics (formerly Invitae), Labcorp
Classification: Uncertain significance. Last evaluated: 2024-11-05. Review status: criteria provided, single submitter. Criteria: Invitae Variant Classification Sherloc (09022015). Collection method: clinical testing. Allele origin: germline.
Comment: This sequence change replaces methionine, which is neutral and non-polar, with threonine, which is neutral and polar, at codon 32 of the PSMG2 protein (p.Met32Thr). This variant is present in population databases (no rsID available, gnomAD 0.003%). This variant has not been reported in the literature in individuals affected with PSMG2-related conditions. ClinVar contains an entry for this variant (Variation ID: 1940235). An algorithm developed to predict the effect of missense changes on protein structure and function (PolyPhen-2) suggests that this variant is likely to be tolerated. In summary, the available evidence is currently insufficient to determine the role of this variant in disease. Therefore, it has been classified as a Variant of Uncertain Significance.